The following is an entry in ClinVar:

NM_014669.5(NUP93):c.2141T>C (p.Ile714Thr)

Gene: NUP93 (nucleoporin 93; plus strand). Cytogenetic location: 16q13.
Variant type: single nucleotide variant.
Coding change: c.2141T>C on transcript NM_014669.5 (MANE Select); coding-DNA position 2141, T replaced by C.
Protein change: p.Ile714Thr; replaces isoleucine 714 with threonine.
Molecular consequence: missense variant.
Genome position (GRCh38, 1-based): chr16:56,839,525, T>C. VCF-style: chr16-56839525-T-C. GRCh37 (hg19) VCF-style: chr16-56873437-T-C.
Other names: c.1772T>C, p.Ile591Thr (NM_001242795.2, NM_001242796.2); short protein forms I591T, I714T.
Identifiers: ClinVar variation 2585173 (VCV002585173.1), dbSNP rs2543430995, ClinGen allele CA395994513.

ClinVar aggregate classification (germline): Uncertain significance (1 of 4 stars; one submission).

Conditions:
Nephrotic syndrome, type 12 (NPHS12). Identifiers: Orphanet 656, MedGen C4225166, MONDO:0014817, OMIM 616892.

Allele frequency attached by ClinVar (database versions not stated): gnomAD exomes below 0.00001.
gnomAD v4.1: 1 of 1,611,330 alleles (0.000062%); highest among the groups gnomAD compares: African/African-American, 0.0013%; no homozygotes.

Submission:

Neuberg Centre For Genomic Medicine, NCGM
Classification: Uncertain significance for Nephrotic syndrome, type 12. Review status: criteria provided, single submitter. Criteria: ACMG Guidelines, 2015. Collection method: clinical testing. Allele origin: germline. Inheritance: Autosomal recessive inheritance. Affected: yes.
Comment: The missense c.2141T>C (p.Ile714Thr) variant in NUP93 gene has not been reported previously as a pathogenic variant nor as a benign variant, to our knowledge. The variant is novel (not in any individuals) in gnomAD Exomes and 1000 Genomes. The amino acid Ile at position 714 is changed to a Thr changing protein sequence and it might alter its composition and physico-chemical properties. The amino acid change p.Ile714Thr in NUP93 is predicted as conserved by GERP++ and PhyloP across 100 vertebrates. For these reasons, this variant has been classified as Uncertain Significance.